The following is an entry in ClinVar:

ClinVar aggregate classification (germline): Benign. Review status: criteria provided, single submitter (1 of 4 stars). 2 submissions from 2 submitters: Benign (1). 1 of the submissions does not count toward it. Last evaluated 2025-12-26.

Conditions:
PDGFRB-related disorder. Also called: PDGFRB-related condition.
Infantile myofibromatosis (IMF). Also called: Congenital generalized fibromatosis. Identifiers: Orphanet 2591, MedGen C0432284, MONDO:0016824.
Skeletal overgrowth-craniofacial dysmorphism-hyperelastic skin-white matter lesions syndrome. Also called: SKELETAL OVERGROWTH WITH FACIAL DYSMORPHISM, HYPERELASTIC SKIN, WHITE MATTER LESIONS, AND NEUROLOGIC DETERIORATION; Kosaki overgrowth syndrome. Identifiers: Orphanet 477831, MedGen C4225270, MONDO:0014704, OMIM 616592.
Acroosteolysis-keloid-like lesions-premature aging syndrome. Also called: Premature aging syndrome, Penttinen type; Prematurely aged appearance, delayed bone maturation, acro-osteolysis, and brachydactyly; Progeroid syndrome, Penttinen type. Identifiers: Orphanet 363665, MedGen C1866182, MONDO:0011150, OMIM 601812.
Basal ganglia calcification, idiopathic, 4 (PFBC4). Also called: Familial Idiopathic Basal Ganglia Calcification 4; PRIMARY FAMILIAL BRAIN CALCIFICATION 4, AUTOSOMAL DOMINANT. Identifiers: Orphanet 1980, MedGen C3554321, MONDO:0014004, OMIM 615007.

Allele frequency attached by ClinVar (database versions not stated): gnomAD 0.00023; ESP Exome Variant Server 0.00015; ExAC 0.00002; TOPMed 0.00027.
gnomAD v4.1: 78 of 1,608,390 alleles (0.0048%); highest among the groups gnomAD compares: African/African-American, 0.078%; no homozygotes.

Submissions (2):

Labcorp Genetics (formerly Invitae), Labcorp
Classification: Benign for Basal ganglia calcification, idiopathic, 4; Skeletal overgrowth-craniofacial dysmorphism-hyperelastic skin-white matter lesions syndrome; Infantile myofibromatosis; Acroosteolysis-keloid-like lesions-premature aging syndrome. Last evaluated: 2025-12-26. Review status: criteria provided, single submitter. Criteria: Invitae Variant Classification Sherloc (09022015). Collection method: clinical testing. Allele origin: germline.

PreventionGenetics, part of Exact Sciences
Classification: Likely benign for PDGFRB-related condition. Last evaluated: 2024-02-20. Review status: no assertion criteria provided. Collection method: clinical testing. Allele origin: germline. Not counted in ClinVar's aggregate classification.
Comment: This variant is classified as likely benign based on ACMG/AMP sequence variant interpretation guidelines (Richards et al. 2015 PMID: 25741868, with internal and published modifications).

NM_002609.4(PDGFRB):c.1155C>T (p.Arg385=)

Gene: PDGFRB (platelet derived growth factor receptor beta; minus strand). Cytogenetic location: 5q32.
Variant type: single nucleotide variant.
Coding change: c.1155C>T on transcript NM_002609.4 (MANE Select); coding-DNA position 1155, C replaced by T.
Protein change: p.Arg385=; no amino-acid change (arginine 385 retained).
Molecular consequence: synonymous variant.
Genome position (GRCh38, 1-based): chr5:150,132,067, G>A on the plus strand (C>T on the coding strand, the complement: PDGFRB is on the minus strand). VCF-style: chr5-150132067-G-A. GRCh37 (hg19) VCF-style: chr5-149511630-G-A.
Other names: c.963C>T, p.Arg321= (NM_001355016.2); c.672C>T, p.Arg224= (NM_001355017.2); c.1155C>T (NM_002609.3).
Identifiers: ClinVar variation 2046178 (VCV002046178.6), dbSNP rs149294219, ClinGen allele CA3508069.